The following is an entry in ClinVar:

ClinVar aggregate classification (germline): Benign/Likely benign. Review status: criteria provided, multiple submitters, no conflicts (2 of 4 stars). 3 submissions from 3 submitters: Benign (1); Likely benign (2). Last evaluated 2024-11-06.

Conditions:
Hereditary cancer-predisposing syndrome. Also called: Tumor predisposition; Hereditary Cancer Syndrome; Neoplastic Syndromes, Hereditary; Hereditary neoplastic syndrome. Identifiers: Orphanet 140162, MedGen C0027672, MeSH D009386, MONDO:0015356.
Renal cell carcinoma. Identifiers: Orphanet 217071, MedGen C0007134, MeSH D002292, MONDO:0005086, HP:0005584.
Papillary renal cell carcinoma type 1 (RCCP1). Also called: RENAL CELL CARCINOMA, PAPILLARY, 1, SOMATIC; Renal adenocarcinoma; Renal cell carcinoma 1; Renal cell carcinoma, somatic. Identifiers: Orphanet 47044, MedGen C1336839, OMIM 605074, HP:0011797.

gnomAD v4.1: 2 of 1,614,064 alleles (0.00012%); highest among the groups gnomAD compares: Middle Eastern, 0.017%; no homozygotes.

Submissions (3):

Myriad Genetics, Inc.
Classification: Benign for Papillary renal cell carcinoma type 1. Last evaluated: 2024-11-06. Review status: criteria provided, single submitter. Criteria: Myriad Autosomal Dominant, Autosomal Recessive and X-Linked Classification Criteria (2023). Collection method: clinical testing. Allele origin: unknown.
Comment: This variant is considered benign. This variant is a silent/synonymous amino acid change and it is not expected to impact splicing.

Labcorp Genetics (formerly Invitae), Labcorp
Classification: Likely benign for Renal cell carcinoma. Last evaluated: 2024-06-06. Review status: criteria provided, single submitter. Criteria: Invitae Variant Classification Sherloc (09022015). Collection method: clinical testing. Allele origin: germline.

Ambry Genetics
Classification: Likely benign for Hereditary cancer-predisposing syndrome. Last evaluated: 2019-09-04. Review status: criteria provided, single submitter. Criteria: Ambry Variant Classification Scheme 2023. Collection method: clinical testing. Allele origin: germline.

NM_000245.4(MET):c.279A>G (p.Pro93=)

Gene: MET (MET proto-oncogene, receptor tyrosine kinase; plus strand). Cytogenetic location: 7q31.2.
Variant type: single nucleotide variant.
Coding change: c.279A>G on transcript NM_000245.4 (MANE Select); coding-DNA position 279, A replaced by G.
Protein change: p.Pro93=; no amino-acid change (proline 93 retained).
Molecular consequence: synonymous variant. On other transcripts: intron variant (1).
Genome position (GRCh38, 1-based): chr7:116,699,363, A>G. VCF-style: chr7-116699363-A-G. GRCh37 (hg19) VCF-style: chr7-116339417-A-G.
Other names: c.279A>G, p.Pro93= (NM_001127500.3, NM_001324401.3); c.-91+26786A>G (NM_001324402.2).
Identifiers: ClinVar variation 1796123 (VCV001796123.8), dbSNP rs780928472, ClinGen allele CA457448033.